The following is an entry in ClinVar:

NM_015386.3(COG4):c.1647+20C>T

Gene: COG4 (component of oligomeric golgi complex 4; minus strand). Cytogenetic location: 16q22.1.
Variant type: single nucleotide variant.
Coding change: c.1647+20C>T on transcript NM_015386.3 (MANE Select); 20 bases into the intron after coding-DNA position 1647, C replaced by T.
Molecular consequence: intron variant.
Genome position (GRCh38, 1-based): chr16:70,496,246, G>A on the plus strand (C>T on the coding strand, the complement: COG4 is on the minus strand). VCF-style: chr16-70496246-G-A. GRCh37 (hg19) VCF-style: chr16-70530149-G-A.
Other names: c.1635+20C>T (NM_001195139.2); c.1221+20C>T (NM_001365426.1).
Identifiers: ClinVar variation 681402 (VCV000681402.5), dbSNP rs745843280, ClinGen allele CA8144271.
Genomic context (GRCh38, chr16:70,496,246, plus strand): 5'-CCAATTATACTGTGGCTTAGCAGTGATAGCGTAACCTCTCGAGATAAACCAACCCAGCTC[G>A]TGAGCTGTGGGGTACCTACCAGGAAGGACATCTTCGCCTCGTCAGTACTCTCGATGCCTT-3'

ClinVar aggregate classification (germline): Likely benign. Review status: criteria provided, multiple submitters, no conflicts (2 of 4 stars). 2 submissions from 2 submitters: Likely benign (2). Last evaluated 2023-09-27.

Conditions:
COG4-congenital disorder of glycosylation. Also called: CONGENITAL DISORDER OF GLYCOSYLATION, TYPE IIj; CDG IIj; COG4-CDG. Identifiers: Orphanet 263501, MedGen C4303552, MONDO:0013281, OMIM 613489.

Allele frequency attached by ClinVar (database versions not stated): gnomAD exomes below 0.00001 and 0.00001; ExAC 0.00002; gnomAD 0.00002; TOPMed 0.00002.
gnomAD v4.1: 9 of 1,613,746 alleles (0.00056%); highest among the groups gnomAD compares: Admixed American, 0.0017%; no homozygotes.

Submissions (2):

Labcorp Genetics (formerly Invitae), Labcorp
Classification: Likely benign for COG4-congenital disorder of glycosylation. Last evaluated: 2023-09-27. Review status: criteria provided, single submitter. Criteria: Invitae Variant Classification Sherloc (09022015). Collection method: clinical testing. Allele origin: germline.

GeneDx
Classification: Likely benign. Last evaluated: 2018-04-11. Review status: criteria provided, single submitter. Criteria: GeneDx Variant Classification (06012015). Collection method: clinical testing. Allele origin: germline. Affected: yes.
Comment: This variant is considered likely benign or benign based on one or more of the following criteria: it is a conservative change, it occurs at a poorly conserved position in the protein, it is predicted to be benign by multiple in silico algorithms, and/or has population frequency not consistent with disease.